The following is an entry in ClinVar:

ClinVar aggregate classification (germline): Uncertain significance. Review status: criteria provided, multiple submitters, no conflicts (2 of 4 stars). 2 submissions from 2 submitters: Uncertain significance (2). Last evaluated 2025-06-19.

Conditions:
Inborn genetic diseases. Identifiers: MedGen C0950123, MeSH D030342.
Mucopolysaccharidosis, MPS-III-C (MPS3C). Also called: SANFILIPPO SYNDROME C; MPS III C; mucopolysaccharidosis type 3C; MUCOPOLYSACCHARIDOSIS, TYPE IIIC; MPS IIIC (Sanfilippo Syndrome Type C); Mucopolysaccharidosis type IIIC (Sanfilippo C). Identifiers: Orphanet 581, Orphanet 79271, MedGen C0086649, MONDO:0009657, OMIM 252930.
Retinitis pigmentosa 73 (RP73). Identifiers: Orphanet 791, MedGen C4225287, MONDO:0014687, OMIM 616544.

Allele frequency attached by ClinVar (database versions not stated): ExAC 0.00002; gnomAD exomes 0.00001; TOPMed below 0.00001.

Submissions (2):

Ambry Genetics
Classification: Uncertain significance for Inborn genetic diseases. Last evaluated: 2025-06-19. Review status: criteria provided, single submitter. Criteria: Ambry Variant Classification Scheme 2023. Collection method: clinical testing. Allele origin: germline.

Labcorp Genetics (formerly Invitae), Labcorp
Classification: Uncertain significance for Retinitis pigmentosa 73; Mucopolysaccharidosis, MPS-III-C. Last evaluated: 2022-03-09. Review status: criteria provided, single submitter. Criteria: Invitae Variant Classification Sherloc (09022015). Collection method: clinical testing. Allele origin: germline.
Comment: This sequence change replaces arginine, which is basic and polar, with threonine, which is neutral and polar, at codon 378 of the HGSNAT protein (p.Arg378Thr). This variant is present in population databases (rs757616564, gnomAD 0.009%). This variant has not been reported in the literature in individuals affected with HGSNAT-related conditions. Advanced modeling of protein sequence and biophysical properties (such as structural, functional, and spatial information, amino acid conservation, physicochemical variation, residue mobility, and thermodynamic stability) performed at Invitae indicates that this missense variant is not expected to disrupt HGSNAT protein function. In summary, the available evidence is currently insufficient to determine the role of this variant in disease. Therefore, it has been classified as a Variant of Uncertain Significance.

NM_152419.3(HGSNAT):c.1133G>C (p.Arg378Thr)

Gene: HGSNAT (heparan-alpha-glucosaminide N-acetyltransferase; plus strand). Cytogenetic location: 8p11.21.
Variant type: single nucleotide variant.
Coding change: c.1133G>C on transcript NM_152419.3 (MANE Select); coding-DNA position 1133, G replaced by C.
Protein change: p.Arg378Thr; replaces arginine 378 with threonine.
Molecular consequence: missense variant.
Genome position (GRCh38, 1-based): chr8:43,191,478, G>C. VCF-style: chr8-43191478-G-C. GRCh37 (hg19) VCF-style: chr8-43046621-G-C.
Other names: c.1133G>C (NM_152419.2); c.1133G>C, p.Arg378Thr (NM_001363227.2); c.941G>C, p.Arg314Thr (NM_001363228.2); c.269G>C, p.Arg90Thr (NM_001363229.2); short protein forms R378T, R90T, R314T.
Identifiers: ClinVar variation 2140898 (VCV002140898.2), dbSNP rs757616564, ClinGen allele CA4736790.
Genomic context (GRCh38, chr8:43,191,478, plus strand): 5'-GTTCCCTTCTATTTGCATTTAGTTCACCCGTGTTTTATTTTTCTGCCCCCACTCAGGAGA[G>C]GAGCTGCCTTTCTCTTCGAGACATCACGTCCAGCTGGCCCCAGTGGCTGCTCATCCTGGT-3'
Protein context (NP_689632.2, residues 368-388): KPVPEHCASE[Arg378Thr]SCLSLRDITS